The following is an entry in ClinVar:

ClinVar aggregate classification (germline): Uncertain significance (1 of 4 stars; one submission).

gnomAD v4.1: 1 of 1,613,924 alleles (0.000062%); highest among the groups gnomAD compares: South Asian, 0.0011%; no homozygotes.

Submission:

GeneDx
Classification: Uncertain significance. Last evaluated: 2025-06-02. Review status: criteria provided, single submitter. Criteria: GeneDx Variant Classification Process June 2021. Collection method: clinical testing. Allele origin: germline. Affected: yes.
Comment: Not observed at significant frequency in large population cohorts (gnomAD); In silico analysis suggests that this missense variant does not alter protein structure/function; Has not been previously published as pathogenic or benign to our knowledge.

NM_002585.4(PBX1):c.1043T>C (p.Met348Thr)

Gene: PBX1 (PBX homeobox 1; plus strand). Cytogenetic location: 1q23.3.
Variant type: single nucleotide variant.
Coding change: c.1043T>C on transcript NM_002585.4 (MANE Select); coding-DNA position 1043, T replaced by C.
Protein change: p.Met348Thr; replaces methionine 348 with threonine.
Molecular consequence: missense variant. On other transcripts: intron variant (2).
Genome position (GRCh38, 1-based): chr1:164,820,117, T>C. VCF-style: chr1-164820117-T-C. GRCh37 (hg19) VCF-style: chr1-164789354-T-C.
Other names: c.998-1420T>C (NM_001353131.2, NM_001204961.2); c.1043T>C, p.Met348Thr (NM_001204963.2); c.794T>C, p.Met265Thr (NM_001353130.1); short protein forms M265T, M348T.
Identifiers: ClinVar variation 4536540 (VCV004536540.1).
Genomic context (GRCh38, chr1:164,820,117, plus strand): 5'-CTCTTTCCTTTCCAGGTTCTTCCAGTTCTTTTAACATGTCAAACTCTGGAGATTTGTTCA[T>C]GAGCGTGCAGTCACTCAATGGGGATTCTTACCAAGGGGCCCAGGTTGGAGCCAACGTGCA-3'
Protein context (NP_002576.1, residues 338-358): FNMSNSGDLF[Met348Thr]SVQSLNGDSY